The following is an entry in ClinVar:

ClinVar aggregate classification (germline): not provided (0 of 4 stars; one submission).

Conditions:
Familial long QT syndrome (RWS). Also called: Congenital long QT syndrome; Romano-Ward syndrome; VENTRICULAR FIBRILLATION WITH PROLONGED QT INTERVAL. Identifiers: Orphanet 768, MedGen C1141890, MONDO:0019171.

Submission:

Cardiovascular Biomedical Research Unit, Royal Brompton & Harefield NHS Foundation Trust
No classification provided. Condition: Familial long QT syndrome. Review status: no classification provided. Collection method: literature only. Allele origin: germline.
Comment: This variant has been reported as associated with Long QT syndrome in the following publications (PMID:9386136). This is a literature report, and does not necessarily reflect the clinical interpretation of the Imperial College / Royal Brompton Cardiovascular Genetics laboratory.

Literature cited by the submitters: PubMed 9386136; PubMed 22581653.

NM_000218.3(KCNQ1):c.926C>G (p.Thr309Arg)

Gene: KCNQ1 (potassium voltage-gated channel subfamily Q member 1; plus strand). Cytogenetic location: 11p15.5.
Variant type: single nucleotide variant.
Coding change: c.926C>G on transcript NM_000218.3 (MANE Select); coding-DNA position 926, C replaced by G.
Protein change: p.Thr309Arg; replaces threonine 309 with arginine.
Molecular consequence: missense variant.
Genome position (GRCh38, 1-based): chr11:2,583,439, C>G. VCF-style: chr11-2583439-C-G. GRCh37 (hg19) VCF-style: chr11-2604669-C-G.
Other names: c.926C>G (LRG_287t1); c.926C>G, p.Thr309Arg (NM_001406836.1); c.656C>G, p.Thr219Arg (NM_001406837.1); c.482C>G, p.Thr161Arg (NM_001406838.1); c.545C>G, p.Thr182Arg (NM_181798.2); short protein forms T309R, T182R, T161R, T219R.
Identifiers: ClinVar variation 53131 (VCV000053131.3), dbSNP rs199472743, ClinGen allele CA008712.